The following is an entry in ClinVar:

NM_004614.5(TK2):c.182G>A (p.Ser61Asn)

Gene: TK2 (thymidine kinase 2; minus strand). Cytogenetic location: 16q21.
Variant type: single nucleotide variant.
Coding change: c.182G>A on transcript NM_004614.5 (MANE Select); coding-DNA position 182, G replaced by A.
Protein change: p.Ser61Asn; replaces serine 61 with asparagine.
Molecular consequence: missense variant. On other transcripts: 5 prime UTR variant (1), non-coding transcript variant (1), intron variant (1).
Genome position (GRCh38, 1-based): chr16:66,541,928, C>T on the plus strand (G>A on the coding strand, the complement: TK2 is on the minus strand). VCF-style: chr16-66541928-C-T. GRCh37 (hg19) VCF-style: chr16-66575831-C-T.
Other names: c.89G>A, p.Ser30Asn (NM_001172643.1, NM_001271935.1); c.182G>A, p.Ser61Asn (NM_001172645.2); c.35G>A, p.Ser12Asn (NM_001271934.2); c.-110G>A (NM_001272050.2); c.157-4911G>A (NM_001172644.2); short protein forms S12N, S30N, S61N.
Identifiers: ClinVar variation 3778861 (VCV003778861.2).

ClinVar aggregate classification (germline): Uncertain significance (1 of 4 stars; one submission).

Conditions:
Mitochondrial disease. Also called: Mitochondrial disorders; Mitochondrial disorder. Identifiers: Orphanet 68380, MedGen C0751651, MeSH D028361, MONDO:0044970.

Submission:

Genomenon, Inc
Classification: Uncertain significance for Mitochondrial disease. Last evaluated: 2025-11-24. Review status: criteria provided, single submitter. Criteria: Genomenon Sequence Variant Interpretation Standards - Updated. Collection method: curation. Allele origin: germline. Affected: yes.
Comment: TK2 p.Ser61Asn (c.182G>A) is a missense variant that changes the amino acid at residue 61 from Serine to Asparagine. This variant has been observed in a proband affected with mitochondrial disease in the compound heterozygous state (40030095). This variant is not present at a significant frequency in gnomAD, and in silico models agree that this variant is possibly or probably damaging. In conclusion, we classify TK2 p.Ser61Asn (c.182G>A) as a variant of uncertain significance.

Literature cited by the submitters: PubMed 40030095.